The following is an entry in ClinVar:

ClinVar aggregate classification (germline): Uncertain significance (1 of 4 stars; one submission).

Conditions:
Cardiovascular phenotype. Identifiers: MedGen CN230736.

Submission:

Ambry Genetics
Classification: Uncertain significance for Cardiovascular phenotype. Last evaluated: 2026-04-12. Review status: criteria provided, single submitter. Criteria: Ambry Variant Classification Scheme 2023. Collection method: clinical testing. Allele origin: germline.
Comment: The p.I1160M variant (also known as c.3480C>G), located in coding exon 27 of the CACNA1C gene, results from a C to G substitution at nucleotide position 3480. The isoleucine at codon 1160 is replaced by methionine, an amino acid with highly similar properties. This amino acid position is conserved. In addition, this alteration is predicted to be deleterious by in silico analysis. Based on the available evidence, the clinical significance of this variant remains unclear.

NM_000719.7(CACNA1C):c.3480C>G (p.Ile1160Met)

Gene: CACNA1C (calcium voltage-gated channel subunit alpha1 C; plus strand). Cytogenetic location: 12p13.33.
Variant type: single nucleotide variant.
Coding change: c.3480C>G on transcript NM_000719.7 (MANE Select); coding-DNA position 3480, C replaced by G.
Protein change: p.Ile1160Met; replaces isoleucine 1160 with methionine.
Molecular consequence: missense variant.
Genome position (GRCh38, 1-based): chr12:2,608,634, C>G. VCF-style: chr12-2608634-C-G. GRCh37 (hg19) VCF-style: chr12-2717800-C-G.
Other names: c.3540C>G, p.Ile1180Met (NM_001129827.2, NM_001129832.2, NM_199460.4); c.3480C>G, p.Ile1160Met (NM_001129829.2, NM_001129830.3, NM_001129831.2 and 15 more transcripts); c.3471C>G, p.Ile1157Met (NM_001129844.2); short protein forms I1157M, I1160M, I1180M.
Identifiers: ClinVar variation 4868059 (VCV004868059.1).